The following is an entry in ClinVar:

ClinVar aggregate classification (germline): Benign (0 of 4 stars; one submission).

Conditions:
FNDC3A-related disorder. Also called: FNDC3A-related condition.

Allele frequency attached by ClinVar (database versions not stated): ESP Exome Variant Server 0.04306; gnomAD 0.04590; TOPMed 0.04678; gnomAD exomes 0.04958; ExAC 0.05747; 1000 Genomes Project 30x 0.07042; 1000 Genomes Project 0.07149.
gnomAD v4.1: 77,742 of 1,577,132 alleles (4.9%); highest among the groups gnomAD compares: South Asian, 13%; 2,487 homozygotes.

Submission:

PreventionGenetics, part of Exact Sciences
Classification: Benign for FNDC3A-related condition. Last evaluated: 2019-11-05. Review status: no assertion criteria provided. Collection method: clinical testing. Allele origin: germline.
Comment: This variant is classified as benign based on ACMG/AMP sequence variant interpretation guidelines (Richards et al. 2015 PMID: 25741868, with internal and published modifications).

NM_001079673.2(FNDC3A):c.3132A>G (p.Lys1044=)

Gene: FNDC3A (fibronectin type III domain containing 3A; plus strand). Cytogenetic location: 13q14.2.
Variant type: single nucleotide variant.
Coding change: c.3132A>G on transcript NM_001079673.2 (MANE Select); coding-DNA position 3132, A replaced by G.
Protein change: p.Lys1044=; no amino-acid change (lysine 1044 retained).
Molecular consequence: synonymous variant. On other transcripts: non-coding transcript variant (1).
Genome position (GRCh38, 1-based): chr13:49,201,944, A>G. VCF-style: chr13-49201944-A-G. GRCh37 (hg19) VCF-style: chr13-49776080-A-G.
Other names: c.3132A>G, p.Lys1044= (NM_001278438.2); c.2964A>G, p.Lys988= (NM_014923.5).
Identifiers: ClinVar variation 3037506 (VCV003037506.2), dbSNP rs9316430, ClinGen allele CA6980501.
Genomic context (GRCh38, chr13:49,201,944, plus strand): 5'-AGCTTGTAATGAAGCTGGGGAAGGTCCCCTCTCCCAAGAATATATTTTCACTACTCCAAA[A>G]TCTGTCCCAGCTGCCTTGAAAGGTAAGTTATACATCCTGAACTTATTTTCTTTATAATAA-3'
Protein context (NP_001073141.1, residues 1034-1054): LSQEYIFTTP[Lys1044=]SVPAALKAPK